The following is an entry in ClinVar:

NM_000384.3(APOB):c.18_27delinsT (p.9_11LAL[1])

Genes: APOB (apolipoprotein B; minus strand), LOC106560211 (APOB 5' regulatory region; plus strand). Cytogenetic location: 2p24.1.
Variant type: Indel.
Coding change: c.18_27delinsT on transcript NM_000384.3 (MANE Select); coding-DNA positions 18 to 27, CGCGCTGCTG replaced by T.
Protein change: p.9_11LAL[1].
Molecular consequence: inframe deletion.
Genome position (GRCh38, 1-based): chr2:21,043,919-21,043,928, CAGCAGCGCG replaced by A on the plus strand (CGCGCTGCTG replaced by T on the coding strand, the reverse complement: APOB is on the minus strand). VCF-style: chr2-21043919-CAGCAGCGCG-A. GRCh37 (hg19) VCF-style: chr2-21266791-CAGCAGCGCG-A.
Other names: c.18_27del10insT (NM_000384.2).
Identifiers: ClinVar variation 2952375 (VCV002952375.5), dbSNP rs1572806409, ClinGen allele CA915943735.

ClinVar aggregate classification (germline): Conflicting classifications of pathogenicity. Review status: criteria provided, conflicting classifications (1 of 4 stars). 3 submissions from 3 submitters: Uncertain significance (2); Likely benign (1). Last evaluated 2026-01-15.

Conditions:
Hypercholesterolemia, autosomal dominant, type B (FHCL2). Also called: APOB-Related Familial Hypercholesterolemia, Autosomal Dominant; Familial Hypercholesterolemia Type B; APOLIPOPROTEIN B-100, FAMILIAL DEFECTIVE; APOLIPOPROTEIN B-100, FAMILIAL LIGAND-DEFECTIVE; HYPERCHOLESTEROLEMIA, FAMILIAL, DUE TO LIGAND-DEFECTIVE APOLIPOPROTEIN B; Hyperlipoproteinemia Type IIb. Identifiers: MedGen C1704417, MONDO:0007751, OMIM 144010.
Familial hypobetalipoproteinemia 1. Also called: Hypobetalipoproteinemia, normotriglyceridemic; Acanthocytosis with hypobetalipoproteinemia; APOB-Related Familial Hypobetalipoproteinemia. Identifiers: MedGen C4551990, MONDO:0014252, OMIM 615558.
Cardiovascular phenotype. Identifiers: MedGen CN230736.

Submissions (3):

Ambry Genetics
Classification: Likely benign for Cardiovascular phenotype. Last evaluated: 2026-01-15. Review status: criteria provided, single submitter. Criteria: Ambry Variant Classification Scheme 2023. Collection method: clinical testing. Allele origin: germline.

GeneDx
Classification: Uncertain significance. Last evaluated: 2024-01-30. Review status: criteria provided, single submitter. Criteria: GeneDx Variant Classification Process June 2021. Collection method: clinical testing. Allele origin: germline. Affected: yes.
Comment: Not observed at significant frequency in large population cohorts (gnomAD); In silico analysis supports that this variant does not alter protein structure/function; Has not been previously published as pathogenic or benign to our knowledge

Labcorp Genetics (formerly Invitae), Labcorp
Classification: Uncertain significance for Familial hypobetalipoproteinemia 1; Hypercholesterolemia, autosomal dominant, type B. Last evaluated: 2018-12-09. Review status: criteria provided, single submitter. Criteria: Invitae Variant Classification Sherloc (09022015). Collection method: clinical testing. Allele origin: germline.
Comment: In summary, the available evidence is currently insufficient to determine the role of this variant in disease. Therefore, it has been classified as a Variant of Uncertain Significance. Experimental studies and prediction algorithms are not available for this variant, and the functional significance of the deleted amino acids is currently unknown. While this variant is not present in population databases, the frequency information is unreliable, as metrics indicate poor data quality at this position in the ExAC database. This variant, c.18_27delinsT, is a complex sequence change that results in the deletion of 3 amino acids of the APOB protein (p.Leu12_Leu14del).